The following is an entry in ClinVar:

ClinVar aggregate classification (germline): Pathogenic/Likely pathogenic. Review status: criteria provided, multiple submitters, no conflicts (2 of 4 stars). 2 submissions from 2 submitters: Pathogenic (1); Likely pathogenic (1). Last evaluated 2024-01-06.

Conditions:
Propionic acidemia (PROP). Also called: GLYCINEMIA, KETOTIC; HYPERGLYCINEMIA WITH KETOACIDOSIS AND LEUKOPENIA; KETOTIC HYPERGLYCINEMIA. Identifiers: Orphanet 35, MedGen C0268579, MONDO:0011628, OMIM 606054, HP:0003571.

Allele frequency attached by ClinVar (database versions not stated): gnomAD exomes below 0.00001; ExAC 0.00001.
gnomAD v4.1: 1 of 1,599,254 alleles (0.000063%); highest among the groups gnomAD compares: South Asian, 0.0011%; no homozygotes.

Submissions (2):

Fulgent Genetics
Classification: Likely pathogenic for Propionic acidemia. Last evaluated: 2024-01-06. Review status: criteria provided, single submitter. Criteria: ACMG Guidelines, 2015. Collection method: clinical testing. Allele origin: germline.

Institute of Medical Genetics and Genomics, Sir Ganga Ram Hospital
Classification: Pathogenic for Propionic Acidemia. Last evaluated: 2015-01-01. Review status: criteria provided, single submitter. Criteria: Gupta et al. (Genet Test Mol Biomarkers 2016). Collection method: research. Allele origin: germline. Affected: yes. Observed: 1 variant allele. Study: ORGANIC ACIDURIAS.
Comment: Nonsense mutation

NM_000282.4(PCCA):c.467T>A (p.Leu156Ter)

Gene: PCCA (propionyl-CoA carboxylase subunit alpha; plus strand). Cytogenetic location: 13q32.3.
Variant type: single nucleotide variant.
Coding change: c.467T>A on transcript NM_000282.4 (MANE Select); coding-DNA position 467, T replaced by A.
Protein change: p.Leu156Ter; replaces leucine 156 with a stop codon.
Molecular consequence: nonsense. On other transcripts: 5 prime UTR variant (3), non-coding transcript variant (5).
Genome position (GRCh38, 1-based): chr13:100,157,339, T>A. VCF-style: chr13-100157339-T-A. GRCh37 (hg19) VCF-style: chr13-100809593-T-A.
Other names: c.389T>A, p.Leu130Ter (NM_001127692.3, NM_001352607.2, NM_001352608.2); c.467T>A, p.Leu156Ter (NM_001178004.2, NM_001352605.2, NM_001352606.2 and 1 more transcripts); c.-400T>A (NM_001352610.2, NM_001352611.2, NM_001352612.2); short protein forms L156*, L130*.
Identifiers: ClinVar variation 218260 (VCV000218260.3), dbSNP rs760387660, ClinGen allele CA7033231.